The following is an entry in ClinVar:

NM_206933.4(USH2A):c.8576G>A (p.Arg2859His)

Gene: USH2A (usherin; minus strand). Cytogenetic location: 1q41.
Variant type: single nucleotide variant.
Coding change: c.8576G>A on transcript NM_206933.4 (MANE Select); coding-DNA position 8576, G replaced by A.
Protein change: p.Arg2859His; replaces arginine 2859 with histidine.
Molecular consequence: missense variant.
Genome position (GRCh38, 1-based): chr1:215,877,863, C>T on the plus strand (G>A on the coding strand, the complement: USH2A is on the minus strand). VCF-style: chr1-215877863-C-T. GRCh37 (hg19) VCF-style: chr1-216051205-C-T.
Other names: short protein forms R2859H.
Identifiers: ClinVar variation 505244 (VCV000505244.17), dbSNP rs778272177, ClinGen allele CA1394567.

ClinVar aggregate classification (germline): Conflicting classifications of pathogenicity. Review status: criteria provided, conflicting classifications (1 of 4 stars). 4 submissions from 4 submitters: Uncertain significance (3); Likely benign (1). Last evaluated 2026-01-30.

Allele frequency attached by ClinVar (database versions not stated): gnomAD 0.00002 and 0.00003; TOPMed 0.00006; gnomAD exomes 0.00007; ExAC 0.00009.
gnomAD v4.1: 110 of 1,613,492 alleles (0.0068%); highest among the groups gnomAD compares: Middle Eastern, 0.033%; no homozygotes.

Submissions (4):

Labcorp Genetics (formerly Invitae), Labcorp
Classification: Likely benign. Last evaluated: 2026-01-30. Review status: criteria provided, single submitter. Criteria: Invitae Variant Classification Sherloc (09022015). Collection method: clinical testing. Allele origin: germline.

Blueprint Genetics
Classification: Uncertain significance. Last evaluated: 2024-06-21. Review status: criteria provided, single submitter. Criteria: ACMG Guidelines, 2015. Collection method: clinical testing. Allele origin: germline.

GeneDx
Classification: Uncertain significance. Last evaluated: 2023-11-15. Review status: criteria provided, single submitter. Criteria: GeneDx Variant Classification Process June 2021. Collection method: clinical testing. Allele origin: germline. Affected: yes.
Comment: Reported with a second USH2A variant, phase unknown, in a patient with profound sensorineural hearing loss who also harbored a variant in the SMPX gene (PMID: 33708524); In silico analysis supports that this missense variant does not alter protein structure/function; This variant is associated with the following publications: (PMID: 35266249, 31872526, 33708524)

Laboratory for Molecular Medicine, Mass General Brigham Personalized Medicine
Classification: Uncertain significance. Last evaluated: 2016-08-18. Review status: criteria provided, single submitter. Criteria: LMM Criteria. Collection method: clinical testing. Allele origin: germline. Observed: 1 variant allele.
Comment: The p.Arg2859His variant in USH2A has not been previously reported in individual s with hearing loss, Usher syndrome, or retinitis pigmentosa. It has been ident ified in 0.01% (9/66722) of European chromosomes by the Exome Aggregation Consor tium (ExAC; dbSNP rs778272177); however, its fre quency is not high enough to rule out a pathogenic role. Computational predictio n tools and conservation analyses do not provide strong support for or against a n impact to the protein. In summary, the clinical significance of the p.Arg2859H is variant is uncertain.